The following is an entry in ClinVar:

ClinVar aggregate classification (germline): Benign. Review status: criteria provided, multiple submitters, no conflicts (2 of 4 stars). 2 submissions from 2 submitters: Benign (2). Last evaluated 2025-02-16.

Conditions:
Leigh syndrome (NULS). Also called: Leigh's necrotizing encephalopathy; Leigh's disease; Leigh Syndrome (mtDNA deletion); Leigh Disease; Subacute necrotizing encephalopathy; Necrotizing encephalopathy infantile subacute of Leigh. Identifiers: Orphanet 506, MedGen C2931891, MONDO:0009723, OMIM 256000.

Submissions (2):

Laboratory of Genetics, Children's Clinical University Hospital Latvia
Classification: Benign. Last evaluated: 2025-02-16. Review status: criteria provided, single submitter. Criteria: ACMG Guidelines, 2015. Collection method: clinical testing. Allele origin: germline. Affected: yes.

Wong Mito Lab, Molecular and Human Genetics, Baylor College of Medicine
Classification: Benign for Leigh syndrome. Last evaluated: 2019-10-17. Review status: criteria provided, single submitter. Criteria: Modified ACMG Guidelines (Unpublished). Collection method: clinical testing. Allele origin: germline.
Comment: The NC_012920.1:m.9077T>C (YP_003024031.1:p.Ile184Thr) variant in MTATP6 gene is interpretated to be a Benign variant based on the modified ACMG guidelines (unpublished). This variant meets the following evidence codes: BS1, BS2, BP4

NC_012920.1(MT-ATP6):m.9077T>C

Gene: MT-ATP6 (mitochondrially encoded ATP synthase 6; plus strand).
Variant type: single nucleotide variant.
Genome position: chrM-9077-T-C.
Identifiers: ClinVar variation 693077 (VCV000693077.2), dbSNP rs1603222037, ClinGen allele CA414802130.